The following is an entry in ClinVar:

ClinVar aggregate classification (germline): Uncertain significance (1 of 4 stars; one submission).

Conditions:
Hyper-IgM syndrome type 1. Also called: CD40 Ligand Deficiency; X-linked hyper-IgM syndrome; Immunodeficiency, X-linked, with hyper-IgM; Hyper-IgM Immunodeficiency Syndrome, Type 1. Identifiers: Orphanet 101088, MedGen C0398689, MONDO:0010626, OMIM 308230.

Submission:

Labcorp Genetics (formerly Invitae), Labcorp
Classification: Uncertain significance for X-linked hyper-IgM syndrome. Last evaluated: 2019-05-22. Review status: criteria provided, single submitter. Criteria: Invitae Variant Classification Sherloc (09022015). Collection method: clinical testing. Allele origin: germline.
Comment: This sequence change replaces glycine with arginine at codon 144 of the CD40LG protein (p.Gly144Arg). The glycine residue is highly conserved and there is a moderate physicochemical difference between glycine and arginine. This variant is not present in population databases (ExAC no frequency). This variant has not been reported in the literature in individuals with CD40LG-related conditions. Algorithms developed to predict the effect of missense changes on protein structure and function (SIFT, PolyPhen-2, Align-GVGD) all suggest that this variant is likely to be disruptive, but these predictions have not been confirmed by published functional studies and their clinical significance is uncertain. In summary, the available evidence is currently insufficient to determine the role of this variant in disease. Therefore, it has been classified as a Variant of Uncertain Significance.

NM_000074.3(CD40LG):c.430G>A (p.Gly144Arg)

Gene: CD40LG (CD40 ligand; plus strand). Cytogenetic location: Xq26.3.
Variant type: single nucleotide variant.
Coding change: c.430G>A on transcript NM_000074.3 (MANE Select); coding-DNA position 430, G replaced by A.
Protein change: p.Gly144Arg; replaces glycine 144 with arginine.
Molecular consequence: missense variant.
Genome position (GRCh38, 1-based): chrX:136,659,059, G>A. VCF-style: chrX-136659059-G-A. GRCh37 (hg19) VCF-style: chrX-135741218-G-A.
Other names: short protein forms G144R.
Identifiers: ClinVar variation 941622 (VCV000941622.1), dbSNP rs2076126859, ClinGen allele CA414755596.